The following is an entry in ClinVar:

NM_024577.4(SH3TC2):c.73G>T (p.Asp25Tyr)

Gene: SH3TC2 (SH3 domain and tetratricopeptide repeats 2; minus strand). Cytogenetic location: 5q32.
Variant type: single nucleotide variant.
Coding change: c.73G>T on transcript NM_024577.4 (MANE Select); coding-DNA position 73, G replaced by T.
Protein change: p.Asp25Tyr; replaces aspartic acid 25 with tyrosine.
Molecular consequence: missense variant.
Genome position (GRCh38, 1-based): chr5:149,052,220, C>A on the plus strand (G>T on the coding strand, the complement: SH3TC2 is on the minus strand). VCF-style: chr5-149052220-C-A. GRCh37 (hg19) VCF-style: chr5-148431783-C-A.
Other names: short protein forms D25Y.
Identifiers: ClinVar variation 414373 (VCV000414373.23), dbSNP rs10066882, ClinGen allele CA3499635.

ClinVar aggregate classification (germline): Conflicting classifications of pathogenicity. Review status: criteria provided, conflicting classifications (1 of 4 stars). 6 submissions from 6 submitters: Uncertain significance (3); Likely benign (3). Last evaluated 2025-12-30.

Conditions:
SH3TC2-related disorder. Also called: SH3TC2-related condition; SH3TC2-related disorders. Identifiers: MedGen CN239303.
Inborn genetic diseases. Identifiers: MedGen C0950123, MeSH D030342.
Charcot-Marie-Tooth disease. Also called: Charcot-Marie-Tooth Neuropathy; Charcot-Marie-Tooth Hereditary Neuropathy. Identifiers: Orphanet 166, MedGen C0007959, MONDO:0015626.
Charcot-Marie-Tooth disease type 4. Also called: Charcot-Marie-Tooth disease, type IV; Charcot-Marie-Tooth, Type 4. Identifiers: Orphanet 64749, MedGen C4082197, MONDO:0018995.

Allele frequency attached by ClinVar (database versions not stated): gnomAD exomes 0.00035; ExAC 0.00048; 1000 Genomes Project 30x 0.00062; 1000 Genomes Project 0.00080; gnomAD 0.00124 and 0.00128; ESP Exome Variant Server 0.00138; TOPMed 0.00138.
gnomAD v4.1: 326 of 1,612,876 alleles (0.02%); highest among the groups gnomAD compares: African/African-American, 0.38%; 1 homozygote.

Submissions (6):

Labcorp Genetics (formerly Invitae), Labcorp
Classification: Likely benign for Charcot-Marie-Tooth disease type 4. Last evaluated: 2025-12-30. Review status: criteria provided, single submitter. Criteria: Invitae Variant Classification Sherloc (09022015). Collection method: clinical testing. Allele origin: germline.

PreventionGenetics, part of Exact Sciences
Classification: Likely benign for SH3TC2-related condition. Last evaluated: 2025-10-15. Review status: criteria provided, single submitter. Criteria: ACMG Guidelines, 2015. Collection method: clinical testing. Allele origin: germline.
Comment: This variant is classified as likely benign based on ACMG/AMP sequence variant interpretation guidelines (Richards et al. 2015 PMID: 25741868, with internal and published modifications).

Blueprint Genetics
Classification: Uncertain significance. Last evaluated: 2023-12-27. Review status: criteria provided, single submitter. Criteria: ACMG Guidelines, 2015. Collection method: clinical testing. Allele origin: germline.

Ambry Genetics
Classification: Likely benign for Inborn genetic diseases. Last evaluated: 2021-06-17. Review status: criteria provided, single submitter. Criteria: Ambry Variant Classification Scheme 2023. Collection method: clinical testing. Allele origin: germline.

ARUP Laboratories, Molecular Genetics and Genomics, ARUP Laboratories
Classification: Uncertain significance. Last evaluated: 2016-09-28. Review status: criteria provided, single submitter. Criteria: ARUP Molecular Germline Variant Investigation Process. Collection method: clinical testing. Allele origin: germline.

Molecular Genetics Laboratory, London Health Sciences Centre
Classification: Uncertain significance for Charcot-Marie-Tooth disease. Review status: criteria provided, single submitter. Criteria: ACMG Guidelines, 2015. Collection method: clinical testing. Allele origin: germline. Affected: yes.